The following is an entry in ClinVar:

NM_000169.3(GLA):c.827G>C (p.Ser276Thr)

Genes: GLA (galactosidase alpha; minus strand), RPL36A-HNRNPH2 (RPL36A-HNRNPH2 readthrough; plus strand). Cytogenetic location: Xq22.1.
Variant type: single nucleotide variant.
Coding change: c.827G>C on transcript NM_000169.3 (MANE Select); coding-DNA position 827, G replaced by C.
Protein change: p.Ser276Thr; replaces serine 276 with threonine.
Molecular consequence: missense variant. On other transcripts: non-coding transcript variant (3), intron variant (2).
Genome position (GRCh38, 1-based): chrX:101,398,542, C>G on the plus strand (G>C on the coding strand, the complement: GLA is on the minus strand). VCF-style: chrX-101398542-C-G. GRCh37 (hg19) VCF-style: chrX-100653530-C-G.
Other names: c.950G>C, p.Ser317Thr (NM_001406747.1); c.827G>C, p.Ser276Thr (NM_001406748.1); c.300+3085C>G (NM_001199973.2); c.177+6720C>G (NM_001199974.2); short protein forms S276T, S317T.
Identifiers: ClinVar variation 4087536 (VCV004087536.2).
Genomic context (GRCh38, chrX:101,398,542, plus strand): 5'-ATGAATAAAGGAGCAGCCATGATAGCCCAGAGGGCCATCTGAGTTACTTGCTGATTCCAG[C>G]TGAGGCCAAAGTTGCCAATCACTAACTGAGAAAAAGAATGAAATAATTCAAACAAGAGAG-3'
Protein context (NP_000160.1, residues 266-286): DMLVIGNFGL[Ser276Thr]WNQQVTQMAL

ClinVar aggregate classification (germline): Likely pathogenic (1 of 4 stars; one submission).

Conditions:
Fabry disease. Also called: ALPHA-GALACTOSIDASE A DEFICIENCY; ANDERSON-FABRY DISEASE; CERAMIDE TRIHEXOSIDASE DEFICIENCY; GLA DEFICIENCY; HEREDITARY DYSTOPIC LIPIDOSIS; Angiokeratoma corporis diffusum. Identifiers: Orphanet 324, MedGen C0002986, MONDO:0010526, OMIM 301500, HP:0001071. Disease mechanism: Fabry disease is due to inactivating mutations in the X-linked GLA gene resulting in deficiency of the enzyme Alpha Galactosidase-A., loss of function.

Submission:

Genomenon, Inc
Classification: Likely pathogenic for Fabry disease. Last evaluated: 2026-09-08. Review status: criteria provided, single submitter. Criteria: Genomenon Sequence Variant Interpretation Standards - Updated. Collection method: curation. Allele origin: germline. Affected: yes.
Comment: GLA p.Ser276Thr (c.827G>C) is a missense variant that changes the amino acid at codon 276 from Serine to Threonine. This variant has been observed in at least one proband with clinical features consistent with Fabry disease (PMID:32843101). The variant was found to segregate with disease in at least one affected family (PMID:32843101). Functional or patient cell studies have been reported (PMID:32843101). The presence of pathogenic/likely pathogenic missense variant(s) at the same amino acid position indicates that this residue is likely important for protein function. It is absent or not present at a significant frequency in gnomAD. In silico models predict that this variant is possibly or probably damaging. In conclusion, we classify GLA p.Ser276Thr (c.827G>C) as a likely pathogenic variant.

Literature cited by the submitters: PubMed 32843101.